The following is an entry in ClinVar:

ClinVar aggregate classification (germline): Uncertain significance (1 of 4 stars; one submission).

Conditions:
Neuroblastoma, susceptibility to, 3. Also called: ALK-Related Neuroblastic Tumor Susceptibility. Identifiers: Orphanet 635, MedGen C2751681, MONDO:0013083, OMIM 613014.

Submission:

Labcorp Genetics (formerly Invitae), Labcorp
Classification: Uncertain significance for Neuroblastoma, susceptibility to, 3. Last evaluated: 2019-09-21. Review status: criteria provided, single submitter. Criteria: Invitae Variant Classification Sherloc (09022015). Collection method: clinical testing. Allele origin: germline.
Comment: In summary, the available evidence is currently insufficient to determine the role of this variant in disease. Therefore, it has been classified as a Variant of Uncertain Significance. Algorithms developed to predict the effect of missense changes on protein structure and function are either unavailable or do not agree on the potential impact of this missense change (SIFT: "Deleterious"; PolyPhen-2: "Possibly Damaging"; Align-GVGD: "Class C0"). This variant has not been reported in the literature in individuals with ALK-related conditions. This variant is not present in population databases (ExAC no frequency). This sequence change replaces methionine with isoleucine at codon 1199 of the ALK protein (p.Met1199Ile). The methionine residue is highly conserved and there is a small physicochemical difference between methionine and isoleucine.

NM_004304.5(ALK):c.3597G>A (p.Met1199Ile)

Gene: ALK (ALK receptor tyrosine kinase; minus strand). Cytogenetic location: 2p23.2.
Variant type: single nucleotide variant.
Coding change: c.3597G>A on transcript NM_004304.5 (MANE Select); coding-DNA position 3597, G replaced by A.
Protein change: p.Met1199Ile; replaces methionine 1199 with isoleucine.
Molecular consequence: missense variant.
Genome position (GRCh38, 1-based): chr2:29,220,754, C>T on the plus strand (G>A on the coding strand, the complement: ALK is on the minus strand). VCF-style: chr2-29220754-C-T. GRCh37 (hg19) VCF-style: chr2-29443620-C-T.
Other names: c.393G>A, p.Met131Ile (NM_001353765.2); short protein forms M131I, M1199I.
Identifiers: ClinVar variation 954236 (VCV000954236.9), dbSNP rs1669779479, ClinGen allele CA346473039.